The following is an entry in ClinVar:

ClinVar aggregate classification (germline): Conflicting classifications of pathogenicity. Review status: criteria provided, conflicting classifications (1 of 4 stars). 2 submissions from 2 submitters: Uncertain significance (1); Likely benign (1). Last evaluated 2024-10-25.

Conditions:
Hyperkalemic periodic paralysis. Also called: Familial hyperkalemic periodic paralysis; Gamstorp disease. Identifiers: Orphanet 682, MedGen C0238357, MONDO:0008224, OMIM 170500, HP:0007215.

gnomAD v4.1: 32 of 1,571,522 alleles (0.002%); highest among the groups gnomAD compares: South Asian, 0.031%; 1 homozygote.

Submissions (2):

Athena Diagnostics
Classification: Uncertain significance. Last evaluated: 2024-10-25. Review status: criteria provided, single submitter. Criteria: Athena Diagnostics Criteria. Collection method: clinical testing. Allele origin: unknown.
Comment: Available data are insufficient to determine the clinical significance of the variant at this time. The frequency of this variant in the general population is uninformative in assessment of its pathogenicity. Computational tools yielded predictions that this variant is unlikely to have an effect on normal RNA splicing.

Labcorp Genetics (formerly Invitae), Labcorp
Classification: Likely benign for Hyperkalemic periodic paralysis. Last evaluated: 2024-09-23. Review status: criteria provided, single submitter. Criteria: Invitae Variant Classification Sherloc (09022015). Collection method: clinical testing. Allele origin: germline.

NM_000334.4(SCN4A):c.4017+9C>T

Genes: GH-LCR (growth hormone locus control region; plus strand), SCN4A (sodium voltage-gated channel alpha subunit 4; minus strand). Cytogenetic location: 17q23.3.
Variant type: single nucleotide variant.
Coding change: c.4017+9C>T on transcript NM_000334.4 (MANE Select); 9 bases into the intron after coding-DNA position 4017, C replaced by T.
Molecular consequence: intron variant.
Genome position (GRCh38, 1-based): chr17:63,943,737, G>A on the plus strand (C>T on the coding strand, the complement: SCN4A is on the minus strand). VCF-style: chr17-63943737-G-A. GRCh37 (hg19) VCF-style: chr17-62021097-G-A.
Identifiers: ClinVar variation 3571958 (VCV003571958.3).